The following is an entry in ClinVar:

ClinVar aggregate classification (germline): Pathogenic (1 of 4 stars; one submission).

Conditions:
Cardiovascular phenotype. Identifiers: MedGen CN230736.

Submission:

Ambry Genetics
Classification: Pathogenic for Cardiovascular phenotype. Last evaluated: 2024-10-28. Review status: criteria provided, single submitter. Criteria: Ambry Variant Classification Scheme 2023. Collection method: clinical testing. Allele origin: germline.
Comment: The c.2598dupT pathogenic mutation, located in coding exon 19 of the RASA1 gene, results from a duplication of T at nucleotide position 2598, causing a translational frameshift with a predicted alternate stop codon (p.P867Sfs*18). This variant is considered to be rare based on population cohorts in the Genome Aggregation Database (gnomAD). This alteration is expected to result in loss of function by premature protein truncation or nonsense-mediated mRNA decay. As such, this alteration is interpreted as a disease-causing mutation.

NM_002890.3(RASA1):c.2598dup (p.Pro867fs)

Genes: CCNH (cyclin H; minus strand), RASA1 (RAS p21 protein activator 1; plus strand). Cytogenetic location: 5q14.3.
Variant type: Duplication.
Coding change: c.2598dup on transcript NM_002890.3 (MANE Select); coding-DNA position 2598, one base duplicated (T; older notation c.2598dupT).
Protein change: p.Pro867fs; shifts the reading frame from proline 867.
Molecular consequence: frameshift variant. On other transcripts: intron variant (1).
Genome position (GRCh38, 1-based): chr5:87,379,845, T duplicated; the last of 2 consecutive T bases (chr5:87,379,844-87,379,845); duplicating either gives the same sequence. VCF-style (leftmost placement, unchanged base first): chr5-87379843-C-CT. GRCh37 (hg19) VCF-style: chr5-86675660-C-CT.
Other names: c.2598dupT (NM_002890.3); c.2067dup, p.Pro690fs (NM_022650.3); c.933+15200dup (NM_001364075.2); short protein forms P867fs, P690fs.
Identifiers: ClinVar variation 3430450 (VCV003430450.1).